The following is an entry in ClinVar:

NM_000642.3(AGL):c.3949+1G>C

Gene: AGL (amylo-alpha-1,6-glucosidase and 4-alpha-glucanotransferase; plus strand). Cytogenetic location: 1p21.2.
Variant type: single nucleotide variant.
Coding change: c.3949+1G>C on transcript NM_000642.3 (MANE Select); the canonical splice donor site of the intron after coding-DNA position 3949, G replaced by C.
Molecular consequence: splice donor variant.
Genome position (GRCh38, 1-based): chr1:99,912,518, G>C. VCF-style: chr1-99912518-G-C. GRCh37 (hg19) VCF-style: chr1-100378074-G-C.
Other names: c.3949+1G>C (NM_000643.3, NM_000644.3, NM_001425325.1 and 1 more transcripts); c.3901+1G>C (NM_000646.3); c.3928+1G>C (NM_001425326.1); c.3748+1G>C (NM_001425327.1); c.3745+1G>C (NM_001425328.1); c.3610+1G>C (NM_001425329.1); c.3571+1G>C (NM_001425332.1).
Identifiers: ClinVar variation 2680851 (VCV002680851.4), dbSNP rs1311320845, ClinGen allele CA341339203.

ClinVar aggregate classification (germline): Likely pathogenic. Review status: criteria provided, multiple submitters, no conflicts (2 of 4 stars). 2 submissions from 2 submitters: Likely pathogenic (2). Last evaluated 2023-10-19.

Conditions:
Glycogen storage disease type III (GSD3). Also called: Cori disease; FORBES DISEASE. Identifiers: Orphanet 366, MedGen C0017922, MONDO:0009291, OMIM 232400.

Allele frequency attached by ClinVar (database versions not stated): gnomAD 0.00001; TOPMed 0.00001.
gnomAD v4.1: 1 of 1,593,826 alleles (0.000063%); highest among the groups gnomAD compares: African/African-American, 0.0013%; no homozygotes.

Submissions (2):

Baylor Genetics
Classification: Likely pathogenic for Glycogen storage disease type III. Last evaluated: 2023-10-19. Review status: criteria provided, single submitter. Criteria: ACMG Guidelines, 2015. Collection method: clinical testing. Allele origin: unknown.

Labcorp Genetics (formerly Invitae), Labcorp
Classification: Likely pathogenic for Glycogen storage disease type III. Last evaluated: 2023-07-16. Review status: criteria provided, single submitter. Criteria: Invitae Variant Classification Sherloc (09022015). Collection method: clinical testing. Allele origin: germline.
Comment: This sequence change affects a donor splice site in intron 29 of the AGL gene. It is expected to disrupt RNA splicing. Variants that disrupt the donor or acceptor splice site typically lead to a loss of protein function (PMID: 16199547), and loss-of-function variants in AGL are known to be pathogenic (PMID: 19299494). This variant is not present in population databases (gnomAD no frequency). This variant has not been reported in the literature in individuals affected with AGL-related conditions. Algorithms developed to predict the effect of sequence changes on RNA splicing suggest that this variant may disrupt the consensus splice site. In summary, the currently available evidence indicates that the variant is pathogenic, but additional data are needed to prove that conclusively. Therefore, this variant has been classified as Likely Pathogenic.

Literature cited by the submitters: PubMed 16199547 (cited by Labcorp Genetics (formerly Invitae), Labcorp); PubMed 19299494 (cited by Labcorp Genetics (formerly Invitae), Labcorp).